The following is an entry in ClinVar:

NM_004104.5(FASN):c.1393A>G (p.Met465Val)

Gene: FASN (fatty acid synthase; minus strand). Cytogenetic location: 17q25.3.
Variant type: single nucleotide variant.
Coding change: c.1393A>G on transcript NM_004104.5 (MANE Select); coding-DNA position 1393, A replaced by G.
Protein change: p.Met465Val; replaces methionine 465 with valine.
Molecular consequence: missense variant.
Genome position (GRCh38, 1-based): chr17:82,091,321, T>C on the plus strand (A>G on the coding strand, the complement: FASN is on the minus strand). VCF-style: chr17-82091321-T-C. GRCh37 (hg19) VCF-style: chr17-80049197-T-C.
Other names: short protein forms M465V.
Identifiers: ClinVar variation 2896544 (VCV002896544.3), dbSNP rs959149482, ClinGen allele CA295137695.
Genomic context (GRCh38, chr17:82,091,321, plus strand): 5'-CCTGCTGCACCTCTGGGCCACCGCGCTCACCACCCAGCACAGCGTAGCCACGGAAGGGCA[T>C]GGCGGTGGCGGGGACAGCCGCGATGTCGTTCAGCATGCTCAGGAAAGCCAGGTCCTGGCT-3'
Protein context (NP_004095.4, residues 455-475): NDIAAVPATA[Met465Val]PFRGYAVLGG

ClinVar aggregate classification (germline): Uncertain significance (1 of 4 stars; one submission).

Conditions:
Epileptic encephalopathy. Identifiers: MedGen C0543888, HP:0200134.

Allele frequency attached by ClinVar (database versions not stated): gnomAD exomes below 0.00001.

Submission:

Labcorp Genetics (formerly Invitae), Labcorp
Classification: Uncertain significance for Epileptic encephalopathy. Last evaluated: 2023-02-22. Review status: criteria provided, single submitter. Criteria: Invitae Variant Classification Sherloc (09022015). Collection method: clinical testing. Allele origin: germline.
Comment: This sequence change replaces methionine, which is neutral and non-polar, with valine, which is neutral and non-polar, at codon 465 of the FASN protein (p.Met465Val). This variant is present in population databases (no rsID available, gnomAD 0.006%). This variant has not been reported in the literature in individuals affected with FASN-related conditions. An algorithm developed to predict the effect of missense changes on protein structure and function (PolyPhen-2) suggests that this variant is likely to be tolerated. In summary, the available evidence is currently insufficient to determine the role of this variant in disease. Therefore, it has been classified as a Variant of Uncertain Significance.